The following is an entry in ClinVar:

ClinVar aggregate classification (germline): Uncertain significance (1 of 4 stars; one submission).

Conditions:
Inborn genetic diseases. Identifiers: MedGen C0950123, MeSH D030342.

Submission:

Ambry Genetics
Classification: Uncertain significance for Inborn genetic diseases. Last evaluated: 2024-10-05. Review status: criteria provided, single submitter. Criteria: Ambry Variant Classification Scheme 2023. Collection method: clinical testing. Allele origin: germline.
Comment: The p.V461M variant (also known as c.1381G>A), located in coding exon 13 of the AKT1 gene, results from a G to A substitution at nucleotide position 1381. The valine at codon 461 is replaced by methionine, an amino acid with highly similar properties. This amino acid position is conserved. In addition, this alteration is predicted to be tolerated by in silico analysis. Based on the available evidence, the clinical significance of this variant remains unclear.

NM_001382430.1(AKT1):c.1381G>A (p.Val461Met)

Gene: AKT1 (AKT serine/threonine kinase 1; minus strand). Cytogenetic location: 14q32.33.
Variant type: single nucleotide variant.
Coding change: c.1381G>A on transcript NM_001382430.1 (MANE Select); coding-DNA position 1381, G replaced by A.
Protein change: p.Val461Met; replaces valine 461 with methionine.
Molecular consequence: missense variant.
Genome position (GRCh38, 1-based): chr14:104,770,403, C>T on the plus strand (G>A on the coding strand, the complement: AKT1 is on the minus strand). VCF-style: chr14-104770403-C-T. GRCh37 (hg19) VCF-style: chr14-105236740-C-T.
Other names: c.1381G>A, p.Val461Met (NM_001014431.2, NM_001014432.2, NM_001382431.1 and 3 more transcripts); short protein forms V461M.
Identifiers: ClinVar variation 3519055 (VCV003519055.1).